The following is an entry in ClinVar:

ClinVar aggregate classification (germline): Uncertain significance. Review status: criteria provided, multiple submitters, no conflicts (2 of 4 stars). 14 submissions from 14 submitters: Uncertain significance (11). 3 of the submissions do not count toward it. Last evaluated 2025-12-19.

Conditions:
PALB2-related cancer predisposition. Identifiers: MedGen CN377761, MONDO:0700272.
Hereditary cancer-predisposing syndrome. Also called: Hereditary neoplastic syndrome; Neoplastic Syndromes, Hereditary; Tumor predisposition; Hereditary Cancer Syndrome. Identifiers: Orphanet 140162, MedGen C0027672, MeSH D009386, MONDO:0015356.
Fanconi anemia complementation group N. Also called: PALB2-Related Fanconi Anemia. Identifiers: Orphanet 84, MedGen C1835817, MONDO:0012565, OMIM 610832. Disease mechanism: loss of function.
Familial cancer of breast. Also called: hereditary breast carcinoma; BREAST CANCER, FAMILIAL; Hereditary breast cancer. Identifiers: Orphanet 227535, MedGen C0346153, MONDO:0016419, OMIM 114480. Disease mechanism: loss of function.
Pancreatic cancer, susceptibility to, 3. Identifiers: Orphanet 1333, MedGen C3150547, MONDO:0013236, OMIM 613348.
Malignant tumor of breast. Also called: Malignant breast neoplasm; Cancer breast. Identifiers: MedGen C0006142, MONDO:0007254. Disease mechanism: loss of function.

Allele frequency attached by ClinVar (database versions not stated): gnomAD 0.00001; gnomAD exomes 0.00001 and 0.00002; ExAC 0.00002; TOPMed 0.00002.
gnomAD v4.1: 17 of 1,614,074 alleles (0.0011%); highest among the groups gnomAD compares: South Asian, 0.0022%; no homozygotes.

Submissions 1 to 8 of 14:

Labcorp Genetics (formerly Invitae), Labcorp
Classification: Uncertain significance for Familial cancer of breast. Last evaluated: 2025-12-19. Review status: criteria provided, single submitter. Criteria: Invitae Variant Classification Sherloc (09022015). Collection method: clinical testing. Allele origin: germline.
Comment: This sequence change replaces aspartic acid, which is acidic and polar, with glycine, which is neutral and non-polar, at codon 871 of the PALB2 protein (p.Asp871Gly). This variant is present in population databases (rs515726090, gnomAD 0.006%). This missense change has been observed in individual(s) with breast, pancreatic and colorectal cancer (PMID: 22692731, 25452441, 32658311, 32885271, 33980423, 34371384). ClinVar contains an entry for this variant (Variation ID: 126670). Invitae Evidence Modeling of protein sequence and biophysical properties (such as structural, functional, and spatial information, amino acid conservation, physicochemical variation, residue mobility, and thermodynamic stability) indicates that this missense variant is expected to disrupt PALB2 protein function with a positive predictive value of 80%. Experimental studies have shown that this missense change does not substantially affect PALB2 function (PMID: 31636395, 31757951). RNA analysis performed to evaluate the impact of this missense change on mRNA splicing indicates it does not significantly alter splicing (internal data). In summary, the available evidence is currently insufficient to determine the role of this variant in disease. Therefore, it has been classified as a Variant of Uncertain Significance.

Ambry Genetics
Classification: Uncertain significance for Hereditary cancer-predisposing syndrome. Last evaluated: 2025-12-17. Review status: criteria provided, single submitter. Criteria: Ambry Variant Classification Scheme 2023. Collection method: clinical testing. Allele origin: germline.
Comment: The p.D871G variant (also known as c.2612A>G), located in coding exon 7 of the PALB2 gene, results from an A to G substitution at nucleotide position 2612. The aspartic acid at codon 871 is replaced by glycine, an amino acid with similar properties. This alteration was found to be functionally normal in a homology-directed DNA repair (HDR) assay (Wiltshire T et al. Genet Med, 2020 03;22:622-632). This alteration was also evaluated in another functional study, and was found to be functionally normal in a homology-directed DNA repair (HDR) assay, and in a PARP inhibitor sensitivity assay (Boonen RACM et al. Nat Commun, 2019 11;10:5296). This amino acid position is highly conserved in available vertebrate species. In addition, the in silico prediction for this alteration is inconclusive. Based on the available evidence, the clinical significance of this variant remains unclear.

Hema, HEMA – Genetic and Molecular Diagnostic Laboratory
Classification: Uncertain significance for PALB2-related cancer predisposition. Last evaluated: 2025-07-22. Review status: criteria provided, single submitter. Criteria: HEMA Variant Classification Assertion Criteria. Collection method: clinical testing. Allele origin: germline.
Comment: It is a transition from thymine to cytosine, resulting in the substitution of aspartic acid 871 of the PALB2 protein with glycine. BP1: Missense variant in PALB2, a gene in which pathogenic variants are primarily truncations.

Molecular Diagnostics Laboratory, Catalan Institute of Oncology
Classification: Uncertain significance for Hereditary cancer-predisposing syndrome. Last evaluated: 2025-04-27. Review status: criteria provided, single submitter. Criteria: ClinGen ACMG Specifications PALB2 V1.1.0. Collection method: clinical testing. Allele origin: germline.
Comment: BP1, PP3 c.2612A>G, located in exon 7 of the PALB2 gene, is predicted to result in the substitution of leucine by histidine at codon 871, p.(Asp871Gly)(BP1). The variant allele was found in 4/268356 alleles, with a filter allele frequency of 0.001% at 95% confidence, within the South Asian population in the gnomAD v2.1.1 database (non-cancer data set). The SpliceAI algorithm predicts that the variant impairs the splicing acceptor site of intron 6 (deltascore: 0.28 (acceptor gain) and 0.21(acceptor loss))(PP3). It has been reported in ClinVar (12x uncertain significance) and LOVD (2x uncertain significance, 4x not classified) databases. Functional studies has been reported for this variant (PMID: 31636395, 33195396); however, following ClinGen VCEP recommendation, this information cannot be used for variant classification because functional studies have not been validated for PALB2 gene. Based on currently available information, c.2612A>G is classified as an uncertain significance variant according to ClinGen-PALB2 Guidelines version v1.0.0.

Color Diagnostics, LLC DBA Color Health
Classification: Uncertain significance for Hereditary cancer-predisposing syndrome. Last evaluated: 2025-04-01. Review status: criteria provided, single submitter. Criteria: ACMG Guidelines, 2015. Collection method: clinical testing. Allele origin: germline.
Comment: This missense variant replaces aspartic acid with glycine at codon 871 of the PALB2 protein. Computational prediction is inconclusive regarding the impact of this variant on protein structure and function. Functional studies have reported that this variant has no impact on PALB2 function in homology-directed repair, checkpoint response and sensitivity to cisplatin and PARP inhibitors assays (PMID: 31636395, 31757951). This variant has been reported in individuals affected with breast cancer and unaffected individuals, and it also has been reported in a breast cancer case-control meta-analysis in 2/60466 cases and 3/53461 unaffected individuals (PMID: 22692731, 25452441, 32885271, 33471991, 33980423; Leiden Open Variation Database DB-ID PALB2_010115). This variant also has been reported in an individual affected with pancreatic cancer (PMID: 34371384). This variant has been identified in 4/251488 chromosomes in the general population by the Genome Aggregation Database (gnomAD). The available evidence is insufficient to determine the role of this variant in disease conclusively. Therefore, this variant is classified as a Variant of Uncertain Significance.

Quest Diagnostics Nichols Institute San Juan Capistrano
Classification: Uncertain significance. Last evaluated: 2024-11-18. Review status: criteria provided, single submitter. Criteria: Quest Diagnostics criteria. Collection method: clinical testing. Allele origin: unknown.
Comment: The PALB2 c.2612A>G (p.Asp871Gly) variant has been reported in the published literature in individuals with breast cancer (PMIDs: 22692731 (2012), 25452441 (2015), 32885271 (2021), 33980423 (2021)), pancreatic cancer (PMID: 34371384 (2021)), and colorectal cancer (PMID: 32658311 (2021)). This variant has been identified in an individual with Fanconi anemia who also carried a pathogenic variant in the FANCA gene (PMID: 37865086 (2023)). In a large case-control study, this variant was observed in additional individuals with breast cancer as well as in reportedly healthy individuals (PMID: 33471991 (2021), see also LOVD). Experimental studies indicate this variant has neutral effects on PALB2 protein functions (PMIDs: 31757951 (2019), 31636395 (2020)). The frequency of this variant in the general population, 0.000016 (4/251488 chromosomes (Genome Aggregation Database)), is uninformative in the assessment of its pathogenicity. Analysis of this variant using bioinformatics tools for the prediction of the effect of amino acid changes on protein structure and function yielded predictions that this variant is damaging. Based on the available information, we are unable to determine the clinical significance of this variant.

Baylor Genetics
Classification: Uncertain significance for Familial cancer of breast. Last evaluated: 2024-01-22. Review status: criteria provided, single submitter. Criteria: ACMG Guidelines, 2015. Collection method: clinical testing. Allele origin: unknown.

Myriad Genetics, Inc.
Classification: Uncertain significance for Familial cancer of breast. Last evaluated: 2023-03-31. Review status: criteria provided, single submitter. Criteria: Myriad Autosomal Dominant, Autosomal Recessive and X-Linked Classification Criteria (2023). Collection method: clinical testing. Allele origin: unknown.
Comment: This variant is classified as a variant of uncertain significance as there is insufficient evidence to determine its impact on protein function and/or cancer risk.

NM_024675.4(PALB2):c.2612A>G (p.Asp871Gly)

Gene: PALB2 (partner and localizer of BRCA2; minus strand). Cytogenetic location: 16p12.2.
Variant type: single nucleotide variant.
Coding change: c.2612A>G on transcript NM_024675.4 (MANE Select); coding-DNA position 2612, A replaced by G.
Protein change: p.Asp871Gly; replaces aspartic acid 871 with glycine.
Molecular consequence: missense variant.
Genome position (GRCh38, 1-based): chr16:23,626,372, T>C on the plus strand (A>G on the coding strand, the complement: PALB2 is on the minus strand). VCF-style: chr16-23626372-T-C. GRCh37 (hg19) VCF-style: chr16-23637693-T-C.
Other names: short protein forms D871G.
Identifiers: ClinVar variation 126670 (VCV000126670.38), dbSNP rs515726090, ClinGen allele CA269551.
Genomic context (GRCh38, chr16:23,626,372, plus strand): 5'-CAAGCAGTTATGATACATGGCTCTTTACAACCGGCTCTTTCCCAAAACATGGCACTCACA[T>C]CTACGGAACAGGAACCTGAAGGATTCTGACACAATGGCAACAGTTCTGTTAAAGTGGCAC-3'
Protein context (NP_078951.2, residues 861-881): LKNPSGSCSV[Asp871Gly]VSAMFWERAG